The following is an entry in ClinVar:

NM_000540.3(RYR1):c.8431G>A (p.Glu2811Lys)

Genes: RYR1 (ryanodine receptor 1; plus strand), LOC126862902 (BRD4-independent group 4 enhancer GRCh37_chr19:38995830-38997029; plus strand). Cytogenetic location: 19q13.2.
Variant type: single nucleotide variant.
Coding change: c.8431G>A on transcript NM_000540.3 (MANE Select); coding-DNA position 8431, G replaced by A.
Protein change: p.Glu2811Lys; replaces glutamic acid 2811 with lysine.
Molecular consequence: missense variant.
Genome position (GRCh38, 1-based): chr19:38,505,836, G>A. VCF-style: chr19-38505836-G-A. GRCh37 (hg19) VCF-style: chr19-38996476-G-A.
Other names: c.8431G>A, p.Glu2811Lys (NM_001042723.2); short protein forms E2811K.
Identifiers: ClinVar variation 1512390 (VCV001512390.5), dbSNP rs2145633451, ClinGen allele CA405678598.

ClinVar aggregate classification (germline): Uncertain significance (1 of 4 stars; one submission).

Conditions:
RYR1-related disorder. Also called: RYR1-related condition; RYR1-related disorders. Identifiers: MedGen CN239331.

gnomAD v4.1: 1 of 1,614,142 alleles (0.000062%); highest among the groups gnomAD compares: Non-Finnish European, 0.000085%; no homozygotes.

Submission:

Labcorp Genetics (formerly Invitae), Labcorp
Classification: Uncertain significance for RYR1-related disorder. Last evaluated: 2021-08-20. Review status: criteria provided, single submitter. Criteria: Invitae Variant Classification Sherloc (09022015). Collection method: clinical testing. Allele origin: germline.
Comment: This sequence change replaces glutamic acid with lysine at codon 2811 of the RYR1 protein (p.Glu2811Lys). The glutamic acid residue is highly conserved and there is a small physicochemical difference between glutamic acid and lysine. This variant is not present in population databases (ExAC no frequency). This variant has not been reported in the literature in individuals affected with RYR1-related conditions. Advanced modeling of protein sequence and biophysical properties (such as structural, functional, and spatial information, amino acid conservation, physicochemical variation, residue mobility, and thermodynamic stability) performed at Invitae indicates that this missense variant is expected to disrupt RYR1 protein function. In summary, the available evidence is currently insufficient to determine the role of this variant in disease. Therefore, it has been classified as a Variant of Uncertain Significance.